The following is an entry in ClinVar:

NM_015631.6(TCTN3):c.1591G>A (p.Asp531Asn)

Gene: TCTN3 (tectonic family member 3; minus strand). Cytogenetic location: 10q24.1.
Variant type: single nucleotide variant.
Coding change: c.1591G>A on transcript NM_015631.6 (MANE Select); coding-DNA position 1591, G replaced by A.
Protein change: p.Asp531Asn; replaces aspartic acid 531 with asparagine.
Molecular consequence: missense variant.
Genome position (GRCh38, 1-based): chr10:95,664,300, C>T on the plus strand (G>A on the coding strand, the complement: TCTN3 is on the minus strand). VCF-style: chr10-95664300-C-T. GRCh37 (hg19) VCF-style: chr10-97424057-C-T.
Other names: c.1645G>A, p.Asp549Asn (NM_001013840.1); c.1147G>A, p.Asp383Asn (NM_001143973.2); c.1495G>A, p.Asp499Asn (NM_001410982.1); c.1591G>A (NM_015631.5); short protein forms D383N, D499N, D531N, D549N.
Identifiers: ClinVar variation 1905570 (VCV001905570.3), dbSNP rs143735885, ClinGen allele CA5620767.

ClinVar aggregate classification (germline): Uncertain significance. Review status: criteria provided, multiple submitters, no conflicts (2 of 4 stars). 2 submissions from 2 submitters: Uncertain significance (2). Last evaluated 2025-09-01.

Conditions:
Joubert syndrome 18 (JBTS18). Identifiers: Orphanet 2754, MedGen C3553758, MONDO:0013896, OMIM 614815.
Orofacial-digital syndrome IV (OFD4). Also called: Orofaciodigital syndrome IV; BARAITSER-BURN SYNDROME; OFD SYNDROME WITH TIBIAL DEFECTS; OFD SYNDROME, BARAITSER-BURN TYPE; OFDS IV; ORAL-FACIAL-DIGITAL SYNDROME, TYPE IV. Identifiers: Orphanet 2753, MedGen C0406727, MONDO:0009794, OMIM 258860.
Inborn genetic diseases. Identifiers: MedGen C0950123, MeSH D030342.

Allele frequency attached by ClinVar (database versions not stated): gnomAD 0.00002; ExAC 0.00007; ESP Exome Variant Server 0.00008.

Submissions (2):

Ambry Genetics
Classification: Uncertain significance for Inborn genetic diseases. Last evaluated: 2025-09-01. Review status: criteria provided, single submitter. Criteria: Ambry Variant Classification Scheme 2023. Collection method: clinical testing. Allele origin: germline.

Labcorp Genetics (formerly Invitae), Labcorp
Classification: Uncertain significance for Joubert syndrome 18; Orofacial-digital syndrome IV. Last evaluated: 2022-07-16. Review status: criteria provided, single submitter. Criteria: Invitae Variant Classification Sherloc (09022015). Collection method: clinical testing. Allele origin: germline.
Comment: This sequence change replaces aspartic acid, which is acidic and polar, with asparagine, which is neutral and polar, at codon 531 of the TCTN3 protein (p.Asp531Asn). This variant is present in population databases (rs143735885, gnomAD 0.05%). This variant has not been reported in the literature in individuals affected with TCTN3-related conditions. Algorithms developed to predict the effect of missense changes on protein structure and function are either unavailable or do not agree on the potential impact of this missense change (SIFT: "Deleterious"; PolyPhen-2: "Benign"; Align-GVGD: "Class C0"). In summary, the available evidence is currently insufficient to determine the role of this variant in disease. Therefore, it has been classified as a Variant of Uncertain Significance.